The following is an entry in ClinVar:

NM_004946.3(DOCK2):c.4968C>T (p.Ser1656=)

Gene: DOCK2 (dedicator of cytokinesis 2; plus strand). Cytogenetic location: 5q35.1.
Variant type: single nucleotide variant.
Coding change: c.4968C>T on transcript NM_004946.3 (MANE Select); coding-DNA position 4968, C replaced by T.
Protein change: p.Ser1656=; no amino-acid change (serine 1656 retained).
Molecular consequence: synonymous variant. On other transcripts: non-coding transcript variant (1).
Genome position (GRCh38, 1-based): chr5:170,077,811, C>T. VCF-style: chr5-170077811-C-T. GRCh37 (hg19) VCF-style: chr5-169504815-C-T.
Identifiers: ClinVar variation 2163979 (VCV002163979.10), dbSNP rs767664459, ClinGen allele CA3554707.

ClinVar aggregate classification (germline): Likely benign. Review status: criteria provided, multiple submitters, no conflicts (2 of 4 stars). 2 submissions from 2 submitters: Likely benign (2). Last evaluated 2025-11-01.

Conditions:
DOCK2 deficiency. Also called: Immunodeficiency 40. Identifiers: Orphanet 447737, MedGen C4225328, MONDO:0014637, OMIM 616433.

Allele frequency attached by ClinVar (database versions not stated): gnomAD 0.00003; TOPMed 0.00003; ExAC 0.00010.
gnomAD v4.1: 106 of 1,613,590 alleles (0.0066%); highest among the groups gnomAD compares: East Asian, 0.23%; no homozygotes.

Submissions (2):

CeGaT Center for Human Genetics Tuebingen
Classification: Likely benign. Last evaluated: 2025-11-01. Review status: criteria provided, single submitter. Criteria: CeGaT Center For Human Genetics Tuebingen Variant Classification Criteria Version 2. Collection method: clinical testing. Allele origin: germline. Affected: yes. Observed: 1 variant allele.
Comment: DOCK2: BP4, BP7

Labcorp Genetics (formerly Invitae), Labcorp
Classification: Likely benign for DOCK2 deficiency. Last evaluated: 2025-10-03. Review status: criteria provided, single submitter. Criteria: Invitae Variant Classification Sherloc (09022015). Collection method: clinical testing. Allele origin: germline.